The following is an entry in ClinVar:

NM_000093.5(COL5A1):c.4014+7A>G

Gene: COL5A1 (collagen type V alpha 1 chain; plus strand). Cytogenetic location: 9q34.3.
Variant type: single nucleotide variant.
Coding change: c.4014+7A>G on transcript NM_000093.5 (MANE Select); 7 bases into the intron after coding-DNA position 4014, A replaced by G.
Molecular consequence: intron variant.
Genome position (GRCh38, 1-based): chr9:134,814,911, A>G. VCF-style: chr9-134814911-A-G. GRCh37 (hg19) VCF-style: chr9-137706757-A-G.
Other names: c.4014+7A>G (NM_001278074.1).
Identifiers: ClinVar variation 514536 (VCV000514536.1), dbSNP rs1554805661, ClinGen allele CA658797350.

ClinVar aggregate classification (germline): Likely benign (1 of 4 stars; one submission).

Submission:

GeneDx
Classification: Likely benign. Last evaluated: 2018-01-03. Review status: criteria provided, single submitter. Criteria: GeneDx Variant Classification (06012015). Collection method: clinical testing. Allele origin: germline. Affected: yes.
Comment: This variant is considered likely benign or benign based on one or more of the following criteria: it is a conservative change, it occurs at a poorly conserved position in the protein, it is predicted to be benign by multiple in silico algorithms, and/or has population frequency not consistent with disease.